The following is an entry in ClinVar:

ClinVar aggregate classification (germline): Likely benign. Review status: criteria provided, multiple submitters, no conflicts (2 of 4 stars). 2 submissions from 2 submitters: Likely benign (2). Last evaluated 2025-11-19.

Conditions:
LAMA2-related muscular dystrophy (LAMA2-RD). Also called: Laminin alpha 2-related dystrophy. Identifiers: MedGen C5679788, MONDO:0100228.

Allele frequency attached by ClinVar (database versions not stated): gnomAD exomes below 0.00001 and 0.00001; TOPMed below 0.00001; ExAC 0.00001; gnomAD 0.00001.
gnomAD v4.1: 3 of 1,613,950 alleles (0.00019%); highest among the groups gnomAD compares: African/African-American, 0.0013%; no homozygotes.

Submissions (2):

Labcorp Genetics (formerly Invitae), Labcorp
Classification: Likely benign for LAMA2-related muscular dystrophy. Last evaluated: 2025-11-19. Review status: criteria provided, single submitter. Criteria: Invitae Variant Classification Sherloc (09022015). Collection method: clinical testing. Allele origin: germline.

CeGaT Center for Human Genetics Tuebingen
Classification: Likely benign. Last evaluated: 2023-03-01. Review status: criteria provided, single submitter. Criteria: CeGaT Center For Human Genetics Tuebingen Variant Classification Criteria Version 2. Collection method: clinical testing. Allele origin: germline. Affected: yes. Observed: 1 variant allele.
Comment: LAMA2: BP4, BP7

NM_000426.4(LAMA2):c.5409A>G (p.Leu1803=)

Gene: LAMA2 (laminin subunit alpha 2; plus strand). Cytogenetic location: 6q22.33.
Variant type: single nucleotide variant.
Coding change: c.5409A>G on transcript NM_000426.4 (MANE Select); coding-DNA position 5409, A replaced by G.
Protein change: p.Leu1803=; no amino-acid change (leucine 1803 retained).
Molecular consequence: synonymous variant.
Genome position (GRCh38, 1-based): chr6:129,393,219, A>G. VCF-style: chr6-129393219-A-G. GRCh37 (hg19) VCF-style: chr6-129714364-A-G.
Other names: c.5409A>G, p.Leu1803= (NM_001079823.2).
Identifiers: ClinVar variation 1156572 (VCV001156572.33), dbSNP rs751359270, ClinGen allele CA3993868.